The following is an entry in ClinVar:

NM_001287.6(CLCN7):c.359G>A (p.Arg120Gln)

Gene: CLCN7 (chloride voltage-gated channel 7; minus strand). Cytogenetic location: 16p13.3.
Variant type: single nucleotide variant.
Coding change: c.359G>A on transcript NM_001287.6 (MANE Select); coding-DNA position 359, G replaced by A.
Protein change: p.Arg120Gln; replaces arginine 120 with glutamine.
Molecular consequence: missense variant.
Genome position (GRCh38, 1-based): chr16:1,460,941, C>T on the plus strand (G>A on the coding strand, the complement: CLCN7 is on the minus strand). VCF-style: chr16-1460941-C-T. GRCh37 (hg19) VCF-style: chr16-1510942-C-T.
Other names: c.287G>A, p.Arg96Gln (NM_001114331.3); short protein forms R96Q, R120Q.
Identifiers: ClinVar variation 1467854 (VCV001467854.6), dbSNP rs772765858, ClinGen allele CA7810801.

ClinVar aggregate classification (germline): Uncertain significance (1 of 4 stars; one submission).

Allele frequency attached by ClinVar (database versions not stated): gnomAD 0.00001 and 0.00003; gnomAD exomes 0.00002; TOPMed 0.00002; ExAC 0.00003; 1000 Genomes Project 30x 0.00031.

Submission:

Labcorp Genetics (formerly Invitae), Labcorp
Classification: Uncertain significance. Last evaluated: 2025-08-21. Review status: criteria provided, single submitter. Criteria: Invitae Variant Classification Sherloc (09022015). Collection method: clinical testing. Allele origin: germline.
Comment: This sequence change replaces arginine, which is basic and polar, with glutamine, which is neutral and polar, at codon 120 of the CLCN7 protein (p.Arg120Gln). This variant is present in population databases (rs772765858, gnomAD 0.009%). This variant has not been reported in the literature in individuals affected with CLCN7-related conditions. ClinVar contains an entry for this variant (Variation ID: 1467854). Invitae Evidence Modeling of protein sequence and biophysical properties (such as structural, functional, and spatial information, amino acid conservation, physicochemical variation, residue mobility, and thermodynamic stability) indicates that this missense variant is not expected to disrupt CLCN7 protein function with a negative predictive value of 95%. In summary, the available evidence is currently insufficient to determine the role of this variant in disease. Therefore, it has been classified as a Variant of Uncertain Significance.